The following is an entry in ClinVar:

ClinVar aggregate classification (germline): Pathogenic (1 of 4 stars; one submission).

Conditions:
SIN3A-related intellectual disability syndrome. Identifiers: Orphanet 500163, MedGen CN258628, MONDO:0044699.

Submission:

Women's Health and Genetics/Laboratory Corporation of America, LabCorp
Classification: Pathogenic for SIN3A-related intellectual disability syndrome. Last evaluated: 2025-05-14. Review status: criteria provided, single submitter. Criteria: LabCorp Variant Classification Summary - May 2015. Collection method: clinical testing. Allele origin: germline.
Comment: Variant summary: SIN3A c.2242delins10 (p.Ser748ProfsX3) results in a premature termination codon, predicted to cause a truncation of the encoded protein or absence of the protein due to nonsense mediated decay, which are commonly known mechanisms for disease. The variant was absent in 250826 control chromosomes (gnomAD). To our knowledge, no occurrence of c.2242delins10 in individuals affected with SIN3A-Related Intellectual Disability Syndrome and no experimental evidence demonstrating its impact on protein function have been reported. No submitters have cited clinical-significance assessments for this variant to ClinVar. Based on the evidence outlined above, the variant was classified as pathogenic.

NM_001145358.2(SIN3A):c.2242delinsCCTCATTGAG (p.Ser748delinsProHisTer)

Gene: SIN3A (SIN3 transcription regulator family member A; minus strand). Cytogenetic location: 15q24.2.
Variant type: Indel.
Coding change: c.2242delinsCCTCATTGAG on transcript NM_001145358.2 (MANE Select); coding-DNA position 2242, A replaced by CCTCATTGAG.
Protein change: p.Ser748delinsProHisTer.
Molecular consequence: nonsense.
Genome position (GRCh38, 1-based): chr15:75,394,715, T replaced by CTCAATGAGG on the plus strand (A replaced by CCTCATTGAG on the coding strand, the reverse complement: SIN3A is on the minus strand). VCF-style: chr15-75394715-T-CTCAATGAGG. GRCh37 (hg19) VCF-style: chr15-75687056-T-CTCAATGAGG.
Other names: c.2242delinsCCTCATTGAG, p.Ser748delinsProHisTer (NM_001145357.2, NM_015477.3).
Identifiers: ClinVar variation 3902206 (VCV003902206.1).
Genomic context (GRCh38, chr15:75,394,715, plus strand): 5'-ACAGATGCAGAAACCCCCCGCTCACCTCATCATAGATACTCTCAATCTCATTGAGTAAGC[T>CTCAATGAGG]CTTAGACCTCAGGACCTTGGTGTCATTCTGTTTAAAGTTGATCCCCTGGTGGTCCAGAGA-3'